The following is an entry in ClinVar:

ClinVar aggregate classification (germline): Likely benign. Review status: reviewed by expert panel (3 of 4 stars). 5 submissions from 5 submitters: Likely benign (1). 4 of the submissions do not count toward it. Last evaluated 2017-06-29.

Conditions:
Hereditary cancer-predisposing syndrome. Also called: Tumor predisposition; Hereditary Cancer Syndrome; Hereditary neoplastic syndrome; Neoplastic Syndromes, Hereditary. Identifiers: Orphanet 140162, MedGen C0027672, MeSH D009386, MONDO:0015356.
Hereditary breast ovarian cancer syndrome. Also called: Hereditary breast and ovarian cancer; Breast and ovarian cancer; BRCA1- and BRCA2-Associated Hereditary Breast and Ovarian Cancer; Hereditary breast and ovarian cancer syndrome; Hereditary breast and ovarian cancer syndrome (HBOC); Hereditary breast and/or ovarian cancer syndrome. Identifiers: Orphanet 145, MedGen C0677776, MeSH D061325, MONDO:0003582. Disease mechanism: loss of function.
Breast-ovarian cancer, familial, susceptibility to, 2 (BROVCA2). Also called: BRCA2 Hereditary Breast and Ovarian Cancer. Identifiers: Orphanet 145, MedGen C2675520, MONDO:0012933, OMIM 612555. Disease mechanism: loss of function.

gnomAD v4.1: 1 of 1,613,482 alleles (0.000062%); no homozygotes.

Submissions (5):

Evidence-based Network for the Interpretation of Germline Mutant Alleles (ENIGMA)
Classification: Likely benign for Breast-ovarian cancer, familial, susceptibility to, 2. Last evaluated: 2017-06-29. Review status: reviewed by expert panel. Criteria: ENIGMA BRCA1/2 Classification Criteria (2017-06-29). Collection method: curation. Allele origin: germline.
Comment: Synonymous substitution variant, with low bioinformatic likelihood to result in a splicing aberration (Splicing prior probability 0.02).

Labcorp Genetics (formerly Invitae), Labcorp
Classification: Likely benign for Hereditary breast ovarian cancer syndrome. Last evaluated: 2026-01-20. Review status: criteria provided, single submitter. Criteria: Invitae Variant Classification Sherloc (09022015). Collection method: clinical testing. Allele origin: germline. Not counted in ClinVar's aggregate classification.

Color Diagnostics, LLC DBA Color Health
Classification: Likely benign for Hereditary cancer-predisposing syndrome. Last evaluated: 2025-06-23. Review status: criteria provided, single submitter. Criteria: ACMG Guidelines, 2015. Collection method: clinical testing. Allele origin: germline. Not counted in ClinVar's aggregate classification.

Mendelics
Classification: Likely benign for Breast-ovarian cancer, familial, susceptibility to, 2. Last evaluated: 2019-05-28. Review status: criteria provided, single submitter. Criteria: Mendelics Assertion Criteria 2017. Collection method: clinical testing. Allele origin: unknown. Not counted in ClinVar's aggregate classification.

Ambry Genetics
Classification: Likely benign for Hereditary cancer-predisposing syndrome. Last evaluated: 2017-09-19. Review status: criteria provided, single submitter. Criteria: Ambry Variant Classification Scheme 2023. Collection method: clinical testing. Allele origin: germline. Not counted in ClinVar's aggregate classification.

NM_000059.4(BRCA2):c.501A>G (p.Thr167=)

Gene: BRCA2 (BRCA2 DNA repair associated; plus strand). Cytogenetic location: 13q13.1.
Variant type: single nucleotide variant.
Coding change: c.501A>G on transcript NM_000059.4 (MANE Select); coding-DNA position 501, A replaced by G.
Protein change: p.Thr167=; no amino-acid change (threonine 167 retained).
Molecular consequence: synonymous variant.
Genome position (GRCh38, 1-based): chr13:32,326,267, A>G. VCF-style: chr13-32326267-A-G. GRCh37 (hg19) VCF-style: chr13-32900404-A-G.
Identifiers: ClinVar variation 236875 (VCV000236875.18), dbSNP rs750805758, ClinGen allele CA10583067.